The following is an entry in ClinVar:

ClinVar aggregate classification (germline): Likely benign (1 of 4 stars; one submission).

gnomAD v4.1: 9 of 1,614,026 alleles (0.00056%); highest among the groups gnomAD compares: Admixed American, 0.0067%; no homozygotes.

Submission:

CeGaT Center for Human Genetics Tuebingen
Classification: Likely benign. Last evaluated: 2026-06-01. Review status: criteria provided, single submitter. Criteria: CeGaT Center For Human Genetics Tuebingen Variant Classification Criteria Version 2. Collection method: clinical testing. Allele origin: germline. Affected: yes. Observed: 1 variant allele.
Comment: CENPF: BP4, BP7

NM_016343.4(CENPF):c.6723A>G (p.Glu2241=)

Gene: CENPF (centromere protein F; plus strand). Cytogenetic location: 1q41.
Variant type: single nucleotide variant.
Coding change: c.6723A>G on transcript NM_016343.4 (MANE Select); coding-DNA position 6723, A replaced by G.
Protein change: p.Glu2241=; no amino-acid change (glutamic acid 2241 retained).
Molecular consequence: synonymous variant.
Genome position (GRCh38, 1-based): chr1:214,646,293, A>G. VCF-style: chr1-214646293-A-G. GRCh37 (hg19) VCF-style: chr1-214819636-A-G.
Identifiers: ClinVar variation 4873699 (VCV004873699.2).